The following is an entry in ClinVar:

ClinVar aggregate classification (germline): Uncertain significance (1 of 4 stars; one submission).

Conditions:
TH-deficient dopa-responsive dystonia. Also called: Tyrosine Hydroxylase-Deficient Dopa-Responsive Dystonia; Segawa syndrome, autosomal recessive; DYT-TH. Identifiers: Orphanet 101150, MedGen C2673535, MONDO:0011551, OMIM 605407.

Submission:

Labcorp Genetics (formerly Invitae), Labcorp
Classification: Uncertain significance for TH-deficient dopa-responsive dystonia. Last evaluated: 2021-09-06. Review status: criteria provided, single submitter. Criteria: Invitae Variant Classification Sherloc (09022015). Collection method: clinical testing. Allele origin: germline.
Comment: This sequence change replaces glycine with serine at codon 224 of the TH protein (p.Gly224Ser). The glycine residue is highly conserved and there is a small physicochemical difference between glycine and serine. This variant is not present in population databases (ExAC no frequency). This variant has been observed in individual(s) with clinical features of dystonia (Invitae). Algorithms developed to predict the effect of missense changes on protein structure and function (SIFT, PolyPhen-2, Align-GVGD) all suggest that this variant is likely to be disruptive. In summary, the available evidence is currently insufficient to determine the role of this variant in disease. Therefore, it has been classified as a Variant of Uncertain Significance.

NM_000360.4(TH):c.577G>A (p.Gly193Ser)

Gene: TH (tyrosine hydroxylase; minus strand). Cytogenetic location: 11p15.5.
Variant type: single nucleotide variant.
Coding change: c.577G>A on transcript NM_000360.4 (MANE Select); coding-DNA position 577, G replaced by A.
Protein change: p.Gly193Ser; replaces glycine 193 with serine.
Molecular consequence: missense variant.
Genome position (GRCh38, 1-based): chr11:2,167,933, C>T on the plus strand (G>A on the coding strand, the complement: TH is on the minus strand). VCF-style: chr11-2167933-C-T. GRCh37 (hg19) VCF-style: chr11-2189163-C-T.
Other names: c.670G>A, p.Gly224Ser (NM_199292.3); c.658G>A, p.Gly220Ser (NM_199293.3); short protein forms G193S, G220S, G224S.
Identifiers: ClinVar variation 1504441 (VCV001504441.3), dbSNP rs2133695838, ClinGen allele CA379128260.
Genomic context (GRCh38, chr11:2,167,933, plus strand): 5'-ACTGGAAGGCGATCTCAGCAATCAGCTTCCTGCGCTGGCGGTACACCTGGTCCGAGAAGC[C>T]CTGAGGGCAGAGGGGATGCACGGGTCAGGAGGCTGTGCTGGGGTGGGGGCACAGGCCACG-3'
Protein context (NP_000351.2, residues 183-203): FDPDLDLDHP[Gly193Ser]FSDQVYRQRR